The following is an entry in ClinVar:

NM_001267550.2(TTN):c.40786+3G>A

Gene: TTN (titin; minus strand). Cytogenetic location: 2q31.2.
Variant type: single nucleotide variant.
Coding change: c.40786+3G>A on transcript NM_001267550.2 (MANE Select); 3 bases into the intron after coding-DNA position 40786, G replaced by A.
Molecular consequence: intron variant.
Genome position (GRCh38, 1-based): chr2:178,640,045, C>T on the plus strand (G>A on the coding strand, the complement: TTN is on the minus strand). VCF-style: chr2-178640045-C-T. GRCh37 (hg19) VCF-style: chr2-179504772-C-T.
Other names: c.13591+3G>A (NM_003319.4); c.14167+3G>A (NM_133437.4); c.13966+3G>A (NM_133432.3); c.35863+3G>A (NM_001256850.1); c.33082+3G>A (NM_133378.4).
Identifiers: ClinVar variation 332874 (VCV000332874.12), dbSNP rs551963261, ClinGen allele CA1996387.

ClinVar aggregate classification (germline): Conflicting classifications of pathogenicity. Review status: criteria provided, conflicting classifications (1 of 4 stars). 8 submissions from 4 submitters: Uncertain significance (5); Benign (2); Likely benign (1). Last evaluated 2025-10-08.

Conditions:
Early-onset myopathy with fatal cardiomyopathy (CMYO5). Also called: Salih Myopathy; CONGENITAL MYOPATHY 5 WITH CARDIOMYOPATHY. Identifiers: Orphanet 289377, MedGen C2673677, MONDO:0012714, OMIM 611705. Disease mechanism: loss of function.
Autosomal recessive limb-girdle muscular dystrophy type 2J (LGMDR10). Also called: Limb-girdle muscular dystrophy, type 2J; MUSCULAR DYSTROPHY, LIMB-GIRDLE, AUTOSOMAL RECESSIVE 10. Identifiers: Orphanet 140922, MedGen C1837342, MONDO:0012127, OMIM 608807.
TTN-related disorder. Also called: TTN-related disorders; TTN-related condition; TTN-related disease.
Dilated cardiomyopathy 1G (CMD1G). Identifiers: Orphanet 154, MedGen C1858763, MONDO:0011400, OMIM 604145.
Myopathy, myofibrillar, 9, with early respiratory failure (MFM9). Also called: MYOPATHY, PROXIMAL, WITH EARLY RESPIRATORY MUSCLE INVOLVEMENT; Hereditary myopathy with early respiratory failure; Myopathy, distal, with early respiratory failure, autosomal dominant; EDSTROM MYOPATHY. Identifiers: Orphanet 178464, Orphanet 34521, MedGen C1863599, MONDO:0011362, OMIM 603689.
Tibial muscular dystrophy (TMD). Also called: UDD MYOPATHY; Tibial muscular dystrophy, tardive; Udd Distal Myopathy – Tibial Muscular Dystrophy. Identifiers: Orphanet 609, MedGen C1838244, MONDO:0010870, OMIM 600334.

Allele frequency attached by ClinVar (database versions not stated): gnomAD 0.00001; gnomAD exomes 0.00001; ExAC 0.00002; TOPMed 0.00005; 1000 Genomes Project 30x 0.00016; 1000 Genomes Project 0.00020.
gnomAD v4.1: 9 of 1,612,084 alleles (0.00056%); highest among the groups gnomAD compares: East Asian, 0.016%; no homozygotes.

Submissions (8):

PreventionGenetics, part of Exact Sciences
Classification: Likely benign for TTN-related condition. Last evaluated: 2025-10-08. Review status: criteria provided, single submitter. Criteria: ACMG Guidelines, 2015. Collection method: clinical testing. Allele origin: germline.
Comment: This variant is classified as likely benign based on ACMG/AMP sequence variant interpretation guidelines (Richards et al. 2015 PMID: 25741868, with internal and published modifications).

Labcorp Genetics (formerly Invitae), Labcorp
Classification: Uncertain significance for Dilated cardiomyopathy 1G; Autosomal recessive limb-girdle muscular dystrophy type 2J. Last evaluated: 2023-06-09. Review status: criteria provided, single submitter. Criteria: Invitae Variant Classification Sherloc (09022015). Collection method: clinical testing. Allele origin: germline.
Comment: In summary, the available evidence is currently insufficient to determine the role of this variant in disease. Therefore, it has been classified as a Variant of Uncertain Significance. This variant is located in the I band of TTN (PMID: 25589632). Variants in this region may be clinically relevant, but have not been definitively shown to cause cardiomyopathy or neuromuscular disease (PMID: 27493940, 32778822). Variants that disrupt the consensus splice site are a relatively common cause of aberrant splicing (PMID: 17576681, 9536098). Algorithms developed to predict the effect of sequence changes on RNA splicing suggest that this variant is not likely to affect RNA splicing. ClinVar contains an entry for this variant (Variation ID: 332874). This variant has not been reported in the literature in individuals affected with TTN-related conditions. This variant is present in population databases (rs551963261, gnomAD 0.02%). This sequence change falls in intron 222 of the TTN gene. It does not directly change the encoded amino acid sequence of the TTN protein. It affects a nucleotide within the consensus splice site.

Illumina Laboratory Services, Illumina
Classification: Benign for Tibial muscular dystrophy. Last evaluated: 2018-01-13. Review status: criteria provided, single submitter. Criteria: ICSL Variant Classification Criteria 13 December 2019. Collection method: clinical testing. Allele origin: germline.
Comment: This variant was observed in the ICSL laboratory as part of a predisposition screen in an ostensibly healthy population. It had not been previously curated by ICSL or reported in the Human Gene Mutation Database (HGMD: prior to June 1st, 2018), and was therefore a candidate for classification through an automated scoring system. Utilizing variant allele frequency, disease prevalence and penetrance estimates, and inheritance mode, an automated score was calculated to assess if this variant is too frequent to cause the disease. Based on the score and internal cut-off values, a variant classified as benign is not then subjected to further curation. The score for this variant resulted in a classification of benign for this disease.

Illumina Laboratory Services, Illumina
Classification: Uncertain significance for Dilated cardiomyopathy 1G. Last evaluated: 2018-01-13. Review status: criteria provided, single submitter. Criteria: ICSL Variant Classification Criteria 13 December 2019. Collection method: clinical testing. Allele origin: germline.

Illumina Laboratory Services, Illumina
Classification: Uncertain significance for Autosomal recessive limb-girdle muscular dystrophy type 2J. Last evaluated: 2018-01-13. Review status: criteria provided, single submitter. Criteria: ICSL Variant Classification Criteria 13 December 2019. Collection method: clinical testing. Allele origin: germline.

Illumina Laboratory Services, Illumina
Classification: Uncertain significance for Early-onset myopathy with fatal cardiomyopathy. Last evaluated: 2018-01-13. Review status: criteria provided, single submitter. Criteria: ICSL Variant Classification Criteria 13 December 2019. Collection method: clinical testing. Allele origin: germline.

Illumina Laboratory Services, Illumina
Classification: Benign for Myopathy, myofibrillar, 9, with early respiratory failure. Last evaluated: 2018-01-13. Review status: criteria provided, single submitter. Criteria: ICSL Variant Classification Criteria 13 December 2019. Collection method: clinical testing. Allele origin: germline.
Comment: the same text as in the submission from Illumina Laboratory Services, Illumina above.

Eurofins Ntd Llc (ga)
Classification: Uncertain significance. Last evaluated: 2017-05-25. Review status: criteria provided, single submitter. Criteria: EGL Classification Definitions 2015. Collection method: clinical testing. Allele origin: germline. Observed: 1 variant allele, 1 heterozygote.

Literature cited by the submitters: PubMed 25589632 (cited by Labcorp Genetics (formerly Invitae), Labcorp); PubMed 27493940 (cited by Labcorp Genetics (formerly Invitae), Labcorp); PubMed 32778822 (cited by Labcorp Genetics (formerly Invitae), Labcorp); PubMed 17576681 (cited by Labcorp Genetics (formerly Invitae), Labcorp); PubMed 9536098 (cited by Labcorp Genetics (formerly Invitae), Labcorp).